The following is an entry in ClinVar:

NM_004548.3(NDUFB10):c.216G>C (p.Lys72Asn)

Gene: NDUFB10 (NADH:ubiquinone oxidoreductase subunit B10; plus strand). Cytogenetic location: 16p13.3.
Variant type: single nucleotide variant.
Coding change: c.216G>C on transcript NM_004548.3 (MANE Select); coding-DNA position 216, G replaced by C.
Protein change: p.Lys72Asn; replaces lysine 72 with asparagine.
Molecular consequence: missense variant.
Genome position (GRCh38, 1-based): chr16:1,961,238, G>C. VCF-style: chr16-1961238-G-C. GRCh37 (hg19) VCF-style: chr16-2011239-G-C.
Other names: short protein forms K72N.
Identifiers: ClinVar variation 3698987 (VCV003698987.2).

ClinVar aggregate classification (germline): Uncertain significance (1 of 4 stars; one submission).

gnomAD v4.1: 1 of 1,613,750 alleles (0.000062%); highest among the groups gnomAD compares: Non-Finnish European, 0.000085%; no homozygotes.

Submission:

Labcorp Genetics (formerly Invitae), Labcorp
Classification: Uncertain significance. Last evaluated: 2024-12-23. Review status: criteria provided, single submitter. Criteria: Invitae Variant Classification Sherloc (09022015). Collection method: clinical testing. Allele origin: germline.
Comment: This sequence change replaces lysine, which is basic and polar, with asparagine, which is neutral and polar, at codon 72 of the NDUFB10 protein (p.Lys72Asn). This variant is not present in population databases (gnomAD no frequency). This variant has not been reported in the literature in individuals affected with NDUFB10-related conditions. An algorithm developed to predict the effect of missense changes on protein structure and function (PolyPhen-2) suggests that this variant is likely to be disruptive. In summary, the available evidence is currently insufficient to determine the role of this variant in disease. Therefore, it has been classified as a Variant of Uncertain Significance.